The following is an entry in ClinVar:

NM_002303.6(LEPR):c.371-20_371-9dup

Gene: LEPR (leptin receptor; plus strand). Cytogenetic location: 1p31.3.
Variant type: Duplication.
Coding change: c.371-20_371-9dup on transcript NM_002303.6 (MANE Select); 20 bases into the intron before coding-DNA position 371 through 9 bases into the intron before coding-DNA position 371, 12 bases duplicated (TTTTTTTTTTTT).
Molecular consequence: intron variant.
Genome position (GRCh38, 1-based): chr1:65,572,306-65,572,317, TTTTTTTTTTTT duplicated; duplicating any 12 consecutive bases within chr1:65,572,291-65,572,317 gives the same sequence; the c. name uses the placement nearest the transcript's 3' end. VCF-style (leftmost placement, unchanged base first): chr1-65572290-G-GTTTTTTTTTTTT. GRCh37 (hg19) VCF-style: chr1-66037973-G-GTTTTTTTTTTTT.
Other names: c.371-20_371-9dup (NM_001003679.3, NM_001003680.3, NM_001198689.2 and 2 more transcripts).
Identifiers: ClinVar variation 3035211 (VCV003035211.2), dbSNP rs747467075, ClinGen allele CA1002628338.
Genomic context (GRCh38, chr1:65,572,290, plus strand): 5'-TTGATTTAGCTCTTCTCTTTCACTGAGTTGTTCAGATGGTTTTTGAGATTTCATGTAGTT[G>GTTTTTTTTTTTT]TTTTTTTTTTTTTTTTTTTTTTTTTTTAAATTCAGATGCAAACTGGAACATACAGTGCTG-3'

ClinVar aggregate classification (germline): Likely benign (0 of 4 stars; one submission).

Conditions:
LEPR-related disorder. Also called: LEPR-related condition; LEPR-related disorders.

Submission:

PreventionGenetics, part of Exact Sciences
Classification: Likely benign for LEPR-related condition. Last evaluated: 2021-07-01. Review status: no assertion criteria provided. Collection method: clinical testing. Allele origin: germline.
Comment: This variant is classified as likely benign based on ACMG/AMP sequence variant interpretation guidelines (Richards et al. 2015 PMID: 25741868, with internal and published modifications).